The following is an entry in ClinVar:

ClinVar aggregate classification (germline): Pathogenic. Review status: criteria provided, multiple submitters, no conflicts (2 of 4 stars). 3 submissions from 3 submitters: Pathogenic (3). Last evaluated 2023-11-15.

Conditions:
Glucose-6-phosphate transport defect (GSD1B). Also called: GSD Ib; Glycogen Storage Disease Type Ib. Identifiers: Orphanet 364, Orphanet 79259, MedGen C0268146, MONDO:0009288, OMIM 232220.

Allele frequency attached by ClinVar (database versions not stated): gnomAD exomes 0.00001 and below 0.00001; ExAC 0.00001.

Submissions (3):

Women's Health and Genetics/Laboratory Corporation of America, LabCorp
Classification: Pathogenic for Glucose-6-phosphate transport defect. Last evaluated: 2023-11-15. Review status: criteria provided, single submitter. Criteria: LabCorp Variant Classification Summary - May 2015. Collection method: clinical testing. Allele origin: germline.
Comment: Variant summary: SLC37A4 c.936dupA (p.Val313SerfsX13) results in a premature termination codon, predicted to cause absence of the protein due to nonsense mediated decay, which is a commonly known mechanism for disease. The variant allele was found at a frequency of 8.3e-06 in 241170 control chromosomes. c.936dupA has been reported in the literature in individuals affected with Glycogen Storage Disease Type Ib (example, Veiga_1998, Halligan_1998). These data indicate that the variant may be associated with disease. To our knowledge, no experimental evidence demonstrating an impact on protein function has been reported. The following publications have been ascertained in the context of this evaluation (PMID: 33977030, 9758626). One submitter has cited clinical-significance assessments for this variant to ClinVar after 2014 and has classified the variant as pathogenic. Based on the evidence outlined above, the variant was classified as pathogenic.

Labcorp Genetics (formerly Invitae), Labcorp
Classification: Pathogenic for Glucose-6-phosphate transport defect. Last evaluated: 2018-10-16. Review status: criteria provided, single submitter. Criteria: Invitae Variant Classification Sherloc (09022015). Collection method: clinical testing. Allele origin: germline.
Comment: This variant has not been reported in the literature in individuals with SLC37A4-related disease. For these reasons, this variant has been classified as Pathogenic. Loss-of-function variants in SLC37A4 are known to be pathogenic (PMID: 9758626, 10940311). This variant is present in population databases (rs782172072, ExAC 0.009%). This sequence change creates a premature translational stop signal (p.Val313Serfs*13) in the SLC37A4 gene. It is expected to result in an absent or disrupted protein product.

CENTOGENE GmbH and LLC - Guiding Precision Medicine
Classification: Pathogenic for Glycogen storage disease type 1B. Review status: criteria provided, single submitter. Criteria: ACMG Guidelines, 2015. Collection method: clinical testing. Allele origin: germline. Affected: yes.

Literature cited by the submitters: PubMed 9758626 (cited by Women's Health and Genetics/Laboratory Corporation of America, LabCorp and Labcorp Genetics (formerly Invitae), Labcorp); PubMed 33977030 (cited by Women's Health and Genetics/Laboratory Corporation of America, LabCorp); PubMed 10940311 (cited by Labcorp Genetics (formerly Invitae), Labcorp).

NM_001164277.2(SLC37A4):c.936dup (p.Val313fs)

Gene: SLC37A4 (solute carrier family 37 member 4; minus strand). Cytogenetic location: 11q23.3.
Variant type: Duplication.
Coding change: c.936dup on transcript NM_001164277.2 (MANE Select); coding-DNA position 936, one base duplicated (A; older notation c.936dupA).
Protein change: p.Val313fs; shifts the reading frame from valine 313.
Molecular consequence: frameshift variant.
Genome position (GRCh38, 1-based): chr11:119,026,015, T duplicated on the plus strand (A on the coding strand, the reverse complement: SLC37A4 is on the minus strand). VCF-style (leftmost placement, unchanged base first): chr11-119026014-C-CT. GRCh37 (hg19) VCF-style: chr11-118896724-C-CT.
Other names: c.936dup, p.Val313fs (NM_001164278.2, NM_001164280.2, NM_001467.6); c.717dup, p.Val240fs (NM_001164279.2); c.936dupA (NM_001164277.2); short protein forms V240fs, V313fs.
Identifiers: ClinVar variation 651791 (VCV000651791.8), dbSNP rs782172072, ClinGen allele CA6311687.
Genomic context (GRCh38, chr11:119,026,014, plus strand): 5'-CTTTCTTAATTACCTTGGGGGAGTCACTGGTCACTGTTACCCGGAAGAGGTACATGGACA[C>CT]TGTCATGCCAGCCATCATGAACAGCAACAGGCCATGGCGAGGGTTCCCGTAGTTGGACAG-3'